The following is an entry in ClinVar:

NM_001394062.1(MACF1):c.11741C>T (p.Pro3914Leu)

Gene: MACF1 (microtubule actin crosslinking factor 1; plus strand). Cytogenetic location: 1p34.3.
Variant type: single nucleotide variant.
Coding change: c.11741C>T on transcript NM_001394062.1 (MANE Select); coding-DNA position 11741, C replaced by T.
Protein change: p.Pro3914Leu; replaces proline 3914 with leucine.
Molecular consequence: missense variant.
Genome position (GRCh38, 1-based): chr1:39,357,691, C>T. VCF-style: chr1-39357691-C-T. GRCh37 (hg19) VCF-style: chr1-39823363-C-T.
Other names: c.5555C>T, p.Pro1852Leu (NM_012090.5); short protein forms P3914L, P1852L.
Identifiers: ClinVar variation 1506326 (VCV001506326.34), dbSNP rs148847012, ClinGen allele CA781656.

ClinVar aggregate classification (germline): Benign/Likely benign. Review status: criteria provided, multiple submitters, no conflicts (2 of 4 stars). 2 submissions from 2 submitters: Benign (1); Likely benign (1). Last evaluated 2025-10-02.

Allele frequency attached by ClinVar (database versions not stated): gnomAD 0.00011; ExAC 0.00012; gnomAD exomes 0.00014 and 0.00027; TOPMed 0.00016; ESP Exome Variant Server 0.00054.
gnomAD v4.1: 405 of 1,613,982 alleles (0.025%); highest among the groups gnomAD compares: Non-Finnish European, 0.033%; no homozygotes.

Submissions (2):

Labcorp Genetics (formerly Invitae), Labcorp
Classification: Benign. Last evaluated: 2025-10-02. Review status: criteria provided, single submitter. Criteria: Invitae Variant Classification Sherloc (09022015). Collection method: clinical testing. Allele origin: germline.

CeGaT Center for Human Genetics Tuebingen
Classification: Likely benign. Last evaluated: 2022-11-01. Review status: criteria provided, single submitter. Criteria: CeGaT Center For Human Genetics Tuebingen Variant Classification Criteria Version 2. Collection method: clinical testing. Allele origin: germline. Affected: yes. Observed: 1 variant allele.
Comment: MACF1: BP4, BS1